The following is an entry in ClinVar:

ClinVar aggregate classification (germline): Benign/Likely benign. Review status: criteria provided, multiple submitters, no conflicts (2 of 4 stars). 12 submissions from 8 submitters: Benign (11); Likely benign (1). Last evaluated 2026-02-01.

Conditions:
Hypokalemic periodic paralysis, type 2 (HOKPP2). Identifiers: Orphanet 681, MedGen C2750061, MONDO:0013234, OMIM 613345.
Potassium-aggravated myotonia. Also called: SODIUM CHANNEL MUSCLE DISEASE; MYOTONIA CONGENITA, ACETAZOLAMIDE-RESPONSIVE; MYOTONIA CONGENITA, ATYPICAL; Myotonia congenita, atypical, acetazolamide-responsive. Identifiers: Orphanet 612, Orphanet 99734, Orphanet 99735, Orphanet 99736, MedGen C2931826, MONDO:0018959, OMIM 608390.
Hypokalemic periodic paralysis, type 1. Also called: Hypokalemic Periodic Paralysis Type 1 (AD); HypoPP. Identifiers: Orphanet 681, MedGen C3714580, MONDO:0042979, OMIM 170400.
Paramyotonia congenita of Von Eulenburg. Also called: Paramyotonia Congenita; Eulenburg disease; Myotonia congenita intermittens; Von Eulenburg paramyotonia congenita; PARALYSIS PERIODICA PARAMYOTONICA. Identifiers: Orphanet 684, MedGen C0221055, MONDO:0008195, OMIM 168300. Disease mechanism: loss of function.
Hyperkalemic periodic paralysis. Also called: Familial hyperkalemic periodic paralysis; Gamstorp disease. Identifiers: Orphanet 682, MedGen C0238357, MONDO:0008224, OMIM 170500, HP:0007215.
Congenital myasthenic syndrome 16. Identifiers: Orphanet 590, MedGen C3280112, MONDO:0013620, OMIM 614198.

Allele frequency attached by ClinVar (database versions not stated): ExAC 0.00225; ESP Exome Variant Server 0.00807; gnomAD 0.00769 and 0.00713; 1000 Genomes Project 0.00699; 1000 Genomes Project 30x 0.00718; TOPMed 0.00792.
gnomAD v4.1: 2,189 of 1,603,558 alleles (0.14%); highest among the groups gnomAD compares: African/African-American, 2.5%; 29 homozygotes.

Submissions (12):

Labcorp Genetics (formerly Invitae), Labcorp
Classification: Benign for Hyperkalemic periodic paralysis. Last evaluated: 2026-02-01. Review status: criteria provided, single submitter. Criteria: Invitae Variant Classification Sherloc (09022015). Collection method: clinical testing. Allele origin: germline.

Athena Diagnostics
Classification: Benign. Last evaluated: 2024-07-31. Review status: criteria provided, single submitter. Criteria: Athena Diagnostics Criteria. Collection method: clinical testing. Allele origin: unknown.

Mayo Clinic Laboratories, Mayo Clinic
Classification: Benign. Last evaluated: 2023-06-22. Review status: criteria provided, single submitter. Criteria: ACMG Guidelines, 2015. Collection method: clinical testing. Allele origin: germline. Observed: 8 variant alleles.
Comment: BA1, BS2, BP4, BP7

Fulgent Genetics
Classification: Likely benign for Paramyotonia congenita of Von Eulenburg; Hypokalemic periodic paralysis, type 1; Hyperkalemic periodic paralysis; Potassium-aggravated myotonia; Hypokalemic periodic paralysis, type 2; Congenital myasthenic syndrome 16. Last evaluated: 2021-11-15. Review status: criteria provided, single submitter. Criteria: ACMG Guidelines, 2015. Collection method: clinical testing. Allele origin: unknown.

Illumina Laboratory Services, Illumina
Classification: Benign for Potassium-aggravated myotonia. Last evaluated: 2018-01-13. Review status: criteria provided, single submitter. Criteria: ICSL Variant Classification Criteria 13 December 2019. Collection method: clinical testing. Allele origin: germline.
Comment: This variant was observed in the ICSL laboratory as part of a predisposition screen in an ostensibly healthy population. It had not been previously curated by ICSL or reported in the Human Gene Mutation Database (HGMD: prior to June 1st, 2018), and was therefore a candidate for classification through an automated scoring system. Utilizing variant allele frequency, disease prevalence and penetrance estimates, and inheritance mode, an automated score was calculated to assess if this variant is too frequent to cause the disease. Based on the score and internal cut-off values, a variant classified as benign is not then subjected to further curation. The score for this variant resulted in a classification of benign for this disease.

Illumina Laboratory Services, Illumina
Classification: Benign for Hyperkalemic periodic paralysis. Last evaluated: 2018-01-13. Review status: criteria provided, single submitter. Criteria: ICSL Variant Classification Criteria 13 December 2019. Collection method: clinical testing. Allele origin: germline.
Comment: the same text as in the submission from Illumina Laboratory Services, Illumina above.

Illumina Laboratory Services, Illumina
Classification: Benign for Congenital myasthenic syndrome 16. Last evaluated: 2018-01-13. Review status: criteria provided, single submitter. Criteria: ICSL Variant Classification Criteria 13 December 2019. Collection method: clinical testing. Allele origin: germline.
Comment: the same text as in the submission from Illumina Laboratory Services, Illumina above.

Illumina Laboratory Services, Illumina
Classification: Benign for Hypokalemic periodic paralysis, type 2. Last evaluated: 2018-01-13. Review status: criteria provided, single submitter. Criteria: ICSL Variant Classification Criteria 13 December 2019. Collection method: clinical testing. Allele origin: germline.
Comment: the same text as in the submission from Illumina Laboratory Services, Illumina above.

Illumina Laboratory Services, Illumina
Classification: Benign for Paramyotonia congenita of Von Eulenburg. Last evaluated: 2018-01-13. Review status: criteria provided, single submitter. Criteria: ICSL Variant Classification Criteria 13 December 2019. Collection method: clinical testing. Allele origin: germline.
Comment: the same text as in the submission from Illumina Laboratory Services, Illumina above.

GeneDx
Classification: Benign. Last evaluated: 2016-11-10. Review status: criteria provided, single submitter. Criteria: GeneDx Variant Classification (06012015). Collection method: clinical testing. Allele origin: germline. Affected: yes.
Comment: This variant is considered likely benign or benign based on one or more of the following criteria: it is a conservative change, it occurs at a poorly conserved position in the protein, it is predicted to be benign by multiple in silico algorithms, and/or has population frequency not consistent with disease.

Breakthrough Genomics
Classification: Benign. Review status: criteria provided, single submitter. Criteria: ACMG Guidelines, 2015. Collection method: not provided. Allele origin: germline. Inheritance: Autosomal recessive inheritance. Affected: yes.

PreventionGenetics, part of Exact Sciences
Classification: Benign. Review status: criteria provided, single submitter. Criteria: ACMG Guidelines, 2015. Collection method: clinical testing. Allele origin: germline.

NM_000334.4(SCN4A):c.3720+9G>T

Genes: GH-LCR (growth hormone locus control region; plus strand), SCN4A (sodium voltage-gated channel alpha subunit 4; minus strand). Cytogenetic location: 17q23.3.
Variant type: single nucleotide variant.
Coding change: c.3720+9G>T on transcript NM_000334.4 (MANE Select); 9 bases into the intron after coding-DNA position 3720, G replaced by T.
Molecular consequence: intron variant.
Genome position (GRCh38, 1-based): chr17:63,945,351, C>A on the plus strand (G>T on the coding strand, the complement: SCN4A is on the minus strand). VCF-style: chr17-63945351-C-A. GRCh37 (hg19) VCF-style: chr17-62022711-C-A.
Other names: p.?.
Identifiers: ClinVar variation 255850 (VCV000255850.22), dbSNP rs9303466, ClinGen allele CA8709204.